The following is an entry in ClinVar:

ClinVar aggregate classification (germline): Uncertain significance. Review status: criteria provided, multiple submitters, no conflicts (2 of 4 stars). 2 submissions from 2 submitters: Uncertain significance (2). Last evaluated 2025-04-17.

Conditions:
Inborn genetic diseases. Identifiers: MedGen C0950123, MeSH D030342.

gnomAD v4.1: 10 of 1,614,090 alleles (0.00062%); highest among the groups gnomAD compares: Admixed American, 0.005%; no homozygotes.

Submissions (2):

Ambry Genetics
Classification: Uncertain significance for Inborn genetic diseases. Last evaluated: 2025-04-17. Review status: criteria provided, single submitter. Criteria: Ambry Variant Classification Scheme 2023. Collection method: clinical testing. Allele origin: germline.

Labcorp Genetics (formerly Invitae), Labcorp
Classification: Uncertain significance. Last evaluated: 2022-06-07. Review status: criteria provided, single submitter. Criteria: Invitae Variant Classification Sherloc (09022015). Collection method: clinical testing. Allele origin: germline.
Comment: In summary, the available evidence is currently insufficient to determine the role of this variant in disease. Therefore, it has been classified as a Variant of Uncertain Significance. Algorithms developed to predict the effect of missense changes on protein structure and function output the following: SIFT: "Tolerated"; PolyPhen-2: "Not Available"; Align-GVGD: "Class C0". The serine amino acid residue is found in multiple mammalian species, which suggests that this missense change does not adversely affect protein function. This variant has not been reported in the literature in individuals affected with PDZD7-related conditions. This variant is present in population databases (no rsID available, gnomAD 0.006%). This sequence change replaces glycine, which is neutral and non-polar, with serine, which is neutral and polar, at codon 147 of the PDZD7 protein (p.Gly147Ser).

NM_001195263.2(PDZD7):c.439G>A (p.Gly147Ser)

Gene: PDZD7 (PDZ domain containing 7; minus strand). Cytogenetic location: 10q24.31.
Variant type: single nucleotide variant.
Coding change: c.439G>A on transcript NM_001195263.2 (MANE Select); coding-DNA position 439, G replaced by A.
Protein change: p.Gly147Ser; replaces glycine 147 with serine.
Molecular consequence: missense variant.
Genome position (GRCh38, 1-based): chr10:101,023,539, C>T on the plus strand (G>A on the coding strand, the complement: PDZD7 is on the minus strand). VCF-style: chr10-101023539-C-T. GRCh37 (hg19) VCF-style: chr10-102783296-C-T.
Other names: c.439G>A (NM_001195263.1); c.439G>A, p.Gly147Ser (NM_001351044.2, NM_024895.5); short protein forms G147S.
Identifiers: ClinVar variation 1976429 (VCV001976429.4), dbSNP rs1215082654, ClinGen allele CA378230677.